The following is an entry in ClinVar:

NM_021072.4(HCN1):c.266G>A (p.Arg89Gln)

Gene: HCN1 (hyperpolarization activated cyclic nucleotide gated potassium channel 1; minus strand). Cytogenetic location: 5p12.
Variant type: single nucleotide variant.
Coding change: c.266G>A on transcript NM_021072.4 (MANE Select); coding-DNA position 266, G replaced by A.
Protein change: p.Arg89Gln; replaces arginine 89 with glutamine.
Molecular consequence: missense variant.
Genome position (GRCh38, 1-based): chr5:45,695,828, C>T on the plus strand (G>A on the coding strand, the complement: HCN1 is on the minus strand). VCF-style: chr5-45695828-C-T. GRCh37 (hg19) VCF-style: chr5-45695930-C-T.
Other names: short protein forms R89Q.
Identifiers: ClinVar variation 839954 (VCV000839954.11), dbSNP rs1739997928, ClinGen allele CA359706403.

ClinVar aggregate classification (germline): Uncertain significance. Review status: criteria provided, multiple submitters, no conflicts (2 of 4 stars). 2 submissions from 2 submitters: Uncertain significance (2). Last evaluated 2026-03-15.

Conditions:
Early-infantile DEE. Also called: Early infantile epileptic encephalopathy with suppression bursts; Early infantile epileptic encephalopathy; Ohtahara syndrome. Identifiers: Orphanet 1934, MedGen C0393706, MONDO:0800491.

Allele frequency attached by ClinVar (database versions not stated): TOPMed below 0.00001; gnomAD 0.00001.
gnomAD v4.1: 1 of 1,605,356 alleles (0.000062%); highest among the groups gnomAD compares: African/African-American, 0.0013%; no homozygotes.

Submissions (2):

GeneDx
Classification: Uncertain significance. Last evaluated: 2026-03-15. Review status: criteria provided, single submitter. Criteria: GeneDx Variant Classification Process June 2021. Collection method: clinical testing. Allele origin: germline.
Comment: Not observed at significant frequency in large population cohorts (gnomAD); In silico analysis suggests that this missense variant does not alter protein structure/function; Has not been previously published as pathogenic or benign to our knowledge

Labcorp Genetics (formerly Invitae), Labcorp
Classification: Uncertain significance for Early-infantile DEE. Last evaluated: 2019-11-22. Review status: criteria provided, single submitter. Criteria: Invitae Variant Classification Sherloc (09022015). Collection method: clinical testing. Allele origin: germline.
Comment: Algorithms developed to predict the effect of missense changes on protein structure and function are either unavailable or do not agree on the potential impact of this missense change (SIFT: "Deleterious"; PolyPhen-2: "Possibly Damaging"; Align-GVGD: "Class C0"). This variant has not been reported in the literature in individuals with HCN1-related conditions. This variant is not present in population databases (ExAC no frequency). This sequence change replaces arginine with glutamine at codon 89 of the HCN1 protein (p.Arg89Gln). The arginine residue is highly conserved and there is a small physicochemical difference between arginine and glutamine. In summary, the available evidence is currently insufficient to determine the role of this variant in disease. Therefore, it has been classified as a Variant of Uncertain Significance.